The following is an entry in ClinVar:

NM_201384.3(PLEC):c.6203C>T (p.Thr2068Met)

Gene: PLEC (plectin; minus strand). Cytogenetic location: 8q24.3.
Variant type: single nucleotide variant.
Coding change: c.6203C>T on transcript NM_201384.3 (MANE Select); coding-DNA position 6203, C replaced by T.
Protein change: p.Thr2068Met; replaces threonine 2068 with methionine.
Molecular consequence: missense variant.
Genome position (GRCh38, 1-based): chr8:143,923,726, G>A on the plus strand (C>T on the coding strand, the complement: PLEC is on the minus strand). VCF-style: chr8-143923726-G-A. GRCh37 (hg19) VCF-style: chr8-144997894-G-A.
Other names: c.6284C>T, p.Thr2095Met (NM_000445.5); c.6161C>T, p.Thr2054Met (NM_201378.4); c.6137C>T, p.Thr2046Met (NM_201379.3); c.6614C>T, p.Thr2205Met (NM_201380.4); c.6107C>T, p.Thr2036Met (NM_201381.3); c.6203C>T, p.Thr2068Met (NM_201382.4); c.6215C>T, p.Thr2072Met (NM_201383.3); short protein forms T2036M, T2054M, T2072M, T2068M, T2046M, T2095M, T2205M.
Identifiers: ClinVar variation 939025 (VCV000939025.6), dbSNP rs781943555, ClinGen allele CA4926080.
Genomic context (GRCh38, chr8:143,923,726, plus strand): 5'-CGCCGGGCCGCCTCCGCCTCGCCGCGCAGCTGGTCCAGCACGCTCTGCTCCTGCTGCAGC[G>A]TCTGCTGTAGCTCCTGCTCCTTCTGCTGCACCGCGAAGGCGTGTGCCTTCTCTTCCGCCT-3'
Protein context (NP_958786.1, residues 2058-2078): VQQKEQELQQ[Thr2068Met]LQQEQSVLDQ

ClinVar aggregate classification (germline): Uncertain significance (1 of 4 stars; one submission).

Conditions:
Epidermolysis bullosa simplex 5B, with muscular dystrophy (EBS5B). Also called: EPIDERMOLYSIS BULLOSA SIMPLEX AND LIMB-GIRDLE MUSCULAR DYSTROPHY; Epidermolysis bullosa simplex with muscular dystrophy. Identifiers: Orphanet 257, MedGen C2931072, MONDO:0009181, OMIM 226670.
Epidermolysis bullosa simplex, Ogna type (EBS5A). Also called: Pidermolysis bullosa simplex 5A, Ogna type; EPIDERMOLYSIS BULLOSA SIMPLEX 5A, OGNA TYPE. Identifiers: Orphanet 79401, MedGen C0432317, MONDO:0007555, OMIM 131950.
Epidermolysis bullosa simplex 5C, with pyloric atresia (EBS5C). Also called: Epidermolysis bullosa simplex with pyloric atresia; PLEC-Related Epidermolysis Bullosa with Pyloric Atresia; PLEC1-Related Epidermolysis Bullosa with Pyloric Atresia. Identifiers: Orphanet 158684, MedGen C2677349, MONDO:0012807, OMIM 612138.
Epidermolysis bullosa simplex with nail dystrophy (EBS5D). Identifiers: MedGen C4225309, MONDO:0014661, OMIM 616487.
Autosomal recessive limb-girdle muscular dystrophy type 2Q (LGMDR17). Also called: MUSCULAR DYSTROPHY, LIMB-GIRDLE, AUTOSOMAL RECESSIVE 17. Identifiers: Orphanet 254361, MedGen C3150989, MONDO:0013390, OMIM 613723.

Allele frequency attached by ClinVar (database versions not stated): gnomAD exomes 0.00002; gnomAD 0.00006; TOPMed 0.00006; ExAC 0.00011.
gnomAD v4.1: 44 of 1,544,696 alleles (0.0028%); highest among the groups gnomAD compares: Admixed American, 0.0076%; no homozygotes.

Submission:

Labcorp Genetics (formerly Invitae), Labcorp
Classification: Uncertain significance for Autosomal recessive limb-girdle muscular dystrophy type 2Q; Epidermolysis bullosa simplex, Ogna type; Epidermolysis bullosa simplex with nail dystrophy; Epidermolysis bullosa simplex 5C, with pyloric atresia; Epidermolysis bullosa simplex 5B, with muscular dystrophy. Last evaluated: 2025-08-18. Review status: criteria provided, single submitter. Criteria: Invitae Variant Classification Sherloc (09022015). Collection method: clinical testing. Allele origin: germline.
Comment: This sequence change replaces threonine, which is neutral and polar, with methionine, which is neutral and non-polar, at codon 2095 of the PLEC protein (p.Thr2095Met). The frequency data for this variant in the population databases is considered unreliable, as metrics indicate poor data quality at this position in the gnomAD database. This variant has not been reported in the literature in individuals affected with PLEC-related conditions. ClinVar contains an entry for this variant (Variation ID: 939025). An algorithm developed to predict the effect of missense changes on protein structure and function (PolyPhen-2) suggests that this variant is likely to be tolerated. In summary, the available evidence is currently insufficient to determine the role of this variant in disease. Therefore, it has been classified as a Variant of Uncertain Significance.